The following is an entry in ClinVar:

NM_020184.4(CNNM4):c.2254G>A (p.Val752Met)

Gene: CNNM4 (cyclin and CBS domain divalent metal cation transport mediator 4; plus strand). Cytogenetic location: 2q11.2.
Variant type: single nucleotide variant.
Coding change: c.2254G>A on transcript NM_020184.4 (MANE Select); coding-DNA position 2254, G replaced by A.
Protein change: p.Val752Met; replaces valine 752 with methionine.
Molecular consequence: missense variant.
Genome position (GRCh38, 1-based): chr2:96,809,443, G>A. VCF-style: chr2-96809443-G-A. GRCh37 (hg19) VCF-style: chr2-97475180-G-A.
Other names: short protein forms V752M.
Identifiers: ClinVar variation 846349 (VCV000846349.6), dbSNP rs373978823, ClinGen allele CA1783624.

ClinVar aggregate classification (germline): Uncertain significance. Review status: criteria provided, multiple submitters, no conflicts (2 of 4 stars). 2 submissions from 2 submitters: Uncertain significance (2). Last evaluated 2024-11-25.

Conditions:
Inborn genetic diseases. Identifiers: MedGen C0950123, MeSH D030342.

Allele frequency attached by ClinVar (database versions not stated): ExAC 0.00007; gnomAD exomes 0.00007 and 0.00010; ESP Exome Variant Server 0.00008; gnomAD 0.00009 and 0.00010; TOPMed 0.00009.
gnomAD v4.1: 152 of 1,614,092 alleles (0.0094%); highest among the groups gnomAD compares: Non-Finnish European, 0.012%; no homozygotes.

Submissions (2):

Ambry Genetics
Classification: Uncertain significance for Inborn genetic diseases. Last evaluated: 2024-11-25. Review status: criteria provided, single submitter. Criteria: Ambry Variant Classification Scheme 2023. Collection method: clinical testing. Allele origin: germline.

Labcorp Genetics (formerly Invitae), Labcorp
Classification: Uncertain significance. Last evaluated: 2022-05-27. Review status: criteria provided, single submitter. Criteria: Invitae Variant Classification Sherloc (09022015). Collection method: clinical testing. Allele origin: germline.
Comment: This sequence change replaces valine, which is neutral and non-polar, with methionine, which is neutral and non-polar, at codon 752 of the CNNM4 protein (p.Val752Met). This variant is present in population databases (rs373978823, gnomAD 0.01%). This variant has not been reported in the literature in individuals affected with CNNM4-related conditions. ClinVar contains an entry for this variant (Variation ID: 846349). Algorithms developed to predict the effect of missense changes on protein structure and function are either unavailable or do not agree on the potential impact of this missense change (SIFT: "Tolerated"; PolyPhen-2: "Possibly Damaging"; Align-GVGD: "Class C0"). In summary, the available evidence is currently insufficient to determine the role of this variant in disease. Therefore, it has been classified as a Variant of Uncertain Significance.